The following is an entry in ClinVar:

NM_000719.7(CACNA1C):c.3469A>G (p.Met1157Val)

Gene: CACNA1C (calcium voltage-gated channel subunit alpha1 C; plus strand). Cytogenetic location: 12p13.33.
Variant type: single nucleotide variant.
Coding change: c.3469A>G on transcript NM_000719.7 (MANE Select); coding-DNA position 3469, A replaced by G.
Protein change: p.Met1157Val; replaces methionine 1157 with valine.
Molecular consequence: missense variant.
Genome position (GRCh38, 1-based): chr12:2,608,623, A>G. VCF-style: chr12-2608623-A-G. GRCh37 (hg19) VCF-style: chr12-2717789-A-G.
Other names: c.3529A>G, p.Met1177Val (NM_001129827.2, NM_001129832.2, NM_199460.4); c.3469A>G, p.Met1157Val (NM_001129829.2, NM_001129830.3, NM_001129831.2 and 15 more transcripts); c.3460A>G, p.Met1154Val (NM_001129844.2); short protein forms M1154V, M1177V, M1157V.
Identifiers: ClinVar variation 3643886 (VCV003643886.2).
Genomic context (GRCh38, chr12:2,608,623, plus strand): 5'-AACTACCGTGTGGAGATCTCCATCTTCTTCATCATCTACATCATCATCATCGCCTTCTTC[A>G]TGATGAACATCTTCGTGGGCTTCGTCATCGTCACCTTTCAGGAGCAGGGGGAGCAGGAGT-3'
Protein context (NP_000710.5, residues 1147-1167): IIYIIIIAFF[Met1157Val]MNIFVGFVIV

ClinVar aggregate classification (germline): Uncertain significance (1 of 4 stars; one submission).

Conditions:
Long QT syndrome (LQTS). Identifiers: MedGen C0023976, MeSH D008133, MONDO:0002442. Disease mechanism: loss of function. Inheritance: Various modes of inheritance.

Submission:

Labcorp Genetics (formerly Invitae), Labcorp
Classification: Uncertain significance for Long QT syndrome. Last evaluated: 2024-05-07. Review status: criteria provided, single submitter. Criteria: Invitae Variant Classification Sherloc (09022015). Collection method: clinical testing. Allele origin: germline.
Comment: This sequence change replaces methionine, which is neutral and non-polar, with valine, which is neutral and non-polar, at codon 1157 of the CACNA1C protein (p.Met1157Val). This variant is not present in population databases (gnomAD no frequency). This variant has not been reported in the literature in individuals affected with CACNA1C-related conditions. Advanced modeling of protein sequence and biophysical properties (such as structural, functional, and spatial information, amino acid conservation, physicochemical variation, residue mobility, and thermodynamic stability) performed at Invitae indicates that this missense variant is expected to disrupt CACNA1C protein function with a positive predictive value of 95%. In summary, the available evidence is currently insufficient to determine the role of this variant in disease. Therefore, it has been classified as a Variant of Uncertain Significance.